The following is an entry in ClinVar:

ClinVar aggregate classification (germline): Benign (1 of 4 stars; one submission).

Allele frequency attached by ClinVar (database versions not stated): 1000 Genomes Project 0.00339; 1000 Genomes Project 30x 0.00344; TOPMed 0.00564; ESP Exome Variant Server 0.00646; gnomAD 0.00666; ExAC 0.00684.

Submission:

CeGaT Center for Human Genetics Tuebingen
Classification: Benign. Last evaluated: 2022-05-01. Review status: criteria provided, single submitter. Criteria: CeGaT Center For Human Genetics Tuebingen Variant Classification Criteria Version 2. Collection method: clinical testing. Allele origin: germline. Affected: yes. Observed: 1 variant allele.
Comment: GJD4: BS1, BS2

NM_153368.3(GJD4):c.130G>A (p.Val44Ile)

Genes: GJD4 (gap junction protein delta 4; plus strand), GJD4-AS1 (GJD4 antisense RNA 1; minus strand). Cytogenetic location: 10p11.21.
Variant type: single nucleotide variant.
Coding change: c.130G>A on transcript NM_153368.3 (MANE Select); coding-DNA position 130, G replaced by A.
Protein change: p.Val44Ile; replaces valine 44 with isoleucine.
Molecular consequence: missense variant.
Genome position (GRCh38, 1-based): chr10:35,607,643, G>A. VCF-style: chr10-35607643-G-A. GRCh37 (hg19) VCF-style: chr10-35896571-G-A.
Other names: short protein forms V44I.
Identifiers: ClinVar variation 2640407 (VCV002640407.24), dbSNP rs140432471, ClinGen allele CA5469854.
Genomic context (GRCh38, chr10:35,607,643, plus strand): 5'-CTCTGGTTCGTCCTCACGATGCTGCTGCGGATGCTGGTGATTGTCTTGGCGGGGCGACCC[G>A]TCTACCAGGACGAGCAGGAGAGGTTTGTCTGCAACACGCTGCAGCCGGGATGCGCCAATG-3'
Protein context (NP_699199.2, residues 34-54): MLVIVLAGRP[Val44Ile]YQDEQERFVC